The following is an entry in ClinVar:

ClinVar aggregate classification (germline): Uncertain significance. Review status: criteria provided, multiple submitters, no conflicts (2 of 4 stars). 2 submissions from 2 submitters: Uncertain significance (2). Last evaluated 2024-10-14.

Conditions:
Imerslund-Grasbeck syndrome type 1 (IGS1). Also called: Megaloblastic anemia 1, Finnish type; MEGALOBLASTIC ANEMIA, 1; Imerslund-Gräsbeck syndrome 1. Identifiers: MedGen C4016819, MONDO:0100156, OMIM 261100.
Imerslund-Grasbeck syndrome. Also called: Megaloblastic anemia due to inborn errors of metabolism; Imerslund-Gräsbeck syndrome; ENTEROCYTE COBALAMIN MALABSORPTION; ENTEROCYTE INTRINSIC FACTOR RECEPTOR, DEFECT OF; PERNICIOUS ANEMIA, JUVENILE, DUE TO SELECTIVE INTESTINAL MALABSORPTION OF VITAMIN B12, WITH PROTEINURIA. Identifiers: Orphanet 35858, MedGen C4551825, MONDO:0009853.

Allele frequency attached by ClinVar (database versions not stated): gnomAD exomes below 0.00001 and 0.00001; TOPMed below 0.00001.

Submissions (2):

Labcorp Genetics (formerly Invitae), Labcorp
Classification: Uncertain significance for Imerslund-Grasbeck syndrome. Last evaluated: 2024-10-14. Review status: criteria provided, single submitter. Criteria: Invitae Variant Classification Sherloc (09022015). Collection method: clinical testing. Allele origin: germline.
Comment: This sequence change replaces threonine, which is neutral and polar, with isoleucine, which is neutral and non-polar, at codon 276 of the CUBN protein (p.Thr276Ile). This variant is present in population databases (no rsID available, gnomAD 0.0009%). This variant has not been reported in the literature in individuals affected with CUBN-related conditions. ClinVar contains an entry for this variant (Variation ID: 299536). Invitae Evidence Modeling of protein sequence and biophysical properties (such as structural, functional, and spatial information, amino acid conservation, physicochemical variation, residue mobility, and thermodynamic stability) indicates that this missense variant is not expected to disrupt CUBN protein function with a negative predictive value of 80%. In summary, the available evidence is currently insufficient to determine the role of this variant in disease. Therefore, it has been classified as a Variant of Uncertain Significance.

Illumina Laboratory Services, Illumina
Classification: Uncertain significance for Imerslund-Grasbeck syndrome type 1. Last evaluated: 2018-01-12. Review status: criteria provided, single submitter. Criteria: ICSL Variant Classification Criteria 13 December 2019. Collection method: clinical testing. Allele origin: germline.

NM_001081.4(CUBN):c.827C>T (p.Thr276Ile)

Gene: CUBN (cubilin; minus strand). Cytogenetic location: 10p13.
Variant type: single nucleotide variant.
Coding change: c.827C>T on transcript NM_001081.4 (MANE Select); coding-DNA position 827, C replaced by T.
Protein change: p.Thr276Ile; replaces threonine 276 with isoleucine.
Molecular consequence: missense variant.
Genome position (GRCh38, 1-based): chr10:17,114,083, G>A on the plus strand (C>T on the coding strand, the complement: CUBN is on the minus strand). VCF-style: chr10-17114083-G-A. GRCh37 (hg19) VCF-style: chr10-17156082-G-A.
Other names: short protein forms T276I.
Identifiers: ClinVar variation 299536 (VCV000299536.9), dbSNP rs886046881, ClinGen allele CA10635114.
Genomic context (GRCh38, chr10:17,114,083, plus strand): 5'-GTACCTGTTGGACAGGCCCCACAGTAGAAAGAGCCTTGAGTGTTGAAACACTGCACAAGT[G>A]TGGAGCAAGGCCCGGGCTGGAAGCTGCACTCGTCTCTGTCCAGCGTGCAGGCAGGGCTGT-3'
Protein context (NP_001072.2, residues 266-286): ECSFQPGPCS[Thr276Ile]LVQCFNTQGS